The following is an entry in ClinVar:

ClinVar aggregate classification (germline): Likely benign (1 of 4 stars; one submission).

Allele frequency attached by ClinVar (database versions not stated): TOPMed 0.01137; 1000 Genomes Project 0.00958; gnomAD 0.00985 and 0.01042; 1000 Genomes Project 30x 0.01062.
gnomAD v4.1: 1,487 of 152,228 alleles (0.98%); highest among the groups gnomAD compares: African/African-American, 3.2%; 22 homozygotes.

Submission:

GeneDx
Classification: Likely benign. Last evaluated: 2018-06-16. Review status: criteria provided, single submitter. Criteria: GeneDx Variant Classification (06012015). Collection method: clinical testing. Allele origin: germline. Affected: yes.
Comment: This variant is considered likely benign or benign based on one or more of the following criteria: it is a conservative change, it occurs at a poorly conserved position in the protein, it is predicted to be benign by multiple in silico algorithms, and/or has population frequency not consistent with disease.

NM_001035.3(RYR2):c.8129+210A>G

Gene: RYR2 (ryanodine receptor 2; plus strand). Cytogenetic location: 1q43.
Variant type: single nucleotide variant.
Coding change: c.8129+210A>G on transcript NM_001035.3 (MANE Select); 210 bases into the intron after coding-DNA position 8129, A replaced by G.
Molecular consequence: intron variant.
Genome position (GRCh38, 1-based): chr1:237,656,194, A>G. VCF-style: chr1-237656194-A-G. GRCh37 (hg19) VCF-style: chr1-237819494-A-G.
Identifiers: ClinVar variation 675857 (VCV000675857.1), dbSNP rs115178041, ClinGen allele CA39802658.